The following is an entry in ClinVar:

NM_000702.4(ATP1A2):c.1631G>T (p.Gly544Val)

Gene: ATP1A2 (ATPase Na+/K+ transporting subunit alpha 2; plus strand). Cytogenetic location: 1q23.2.
Variant type: single nucleotide variant.
Coding change: c.1631G>T on transcript NM_000702.4 (MANE Select); coding-DNA position 1631, G replaced by T.
Protein change: p.Gly544Val; replaces glycine 544 with valine.
Molecular consequence: missense variant.
Genome position (GRCh38, 1-based): chr1:160,130,271, G>T. VCF-style: chr1-160130271-G-T. GRCh37 (hg19) VCF-style: chr1-160100061-G-T.
Other names: short protein forms G544V.
Identifiers: ClinVar variation 999367 (VCV000999367.10), dbSNP rs1651730758, ClinGen allele CA343243715.

ClinVar aggregate classification (germline): Uncertain significance. Review status: criteria provided, multiple submitters, no conflicts (2 of 4 stars). 2 submissions from 2 submitters: Uncertain significance (2). Last evaluated 2023-03-08.

Conditions:
Familial hemiplegic migraine. Identifiers: MedGen C0338484, MONDO:0000700.

Submissions (2):

Revvity Omics, Revvity
Classification: Uncertain significance. Last evaluated: 2023-03-08. Review status: criteria provided, single submitter. Criteria: ACMG Guidelines, 2015. Collection method: clinical testing. Allele origin: germline.

Labcorp Genetics (formerly Invitae), Labcorp
Classification: Uncertain significance for Familial hemiplegic migraine. Last evaluated: 2020-10-25. Review status: criteria provided, single submitter. Criteria: Invitae Variant Classification Sherloc (09022015). Collection method: clinical testing. Allele origin: germline.
Comment: Algorithms developed to predict the effect of sequence changes on RNA splicing suggest that this variant may create or strengthen a splice site, but this prediction has not been confirmed by published transcriptional studies. In summary, the available evidence is currently insufficient to determine the role of this variant in disease. Therefore, it has been classified as a Variant of Uncertain Significance. Algorithms developed to predict the effect of missense changes on protein structure and function (SIFT, PolyPhen-2, Align-GVGD) all suggest that this variant is likely to be disruptive, but these predictions have not been confirmed by published functional studies and their clinical significance is uncertain. This sequence change replaces glycine with valine at codon 544 of the ATP1A2 protein (p.Gly544Val). The glycine residue is highly conserved and there is a moderate physicochemical difference between glycine and valine. This variant is not present in population databases (ExAC no frequency). This variant has not been reported in the literature in individuals with ATP1A2-related conditions.